The following is an entry in ClinVar:

NM_152383.5(DIS3L2):c.815A>G (p.Asp272Gly)

Gene: DIS3L2 (DIS3 like 3'-5' exoribonuclease 2; plus strand). Cytogenetic location: 2q37.1.
Variant type: single nucleotide variant.
Coding change: c.815A>G on transcript NM_152383.5 (MANE Select); coding-DNA position 815, A replaced by G.
Protein change: p.Asp272Gly; replaces aspartic acid 272 with glycine.
Molecular consequence: missense variant. On other transcripts: non-coding transcript variant (1).
Genome position (GRCh38, 1-based): chr2:232,136,584, A>G. VCF-style: chr2-232136584-A-G. GRCh37 (hg19) VCF-style: chr2-233001294-A-G.
Other names: c.815A>G, p.Asp272Gly (NM_001257281.2); short protein forms D272G.
Identifiers: ClinVar variation 957993 (VCV000957993.9), dbSNP rs1698364415, ClinGen allele CA351153650.

ClinVar aggregate classification (germline): Uncertain significance (1 of 4 stars; one submission).

Conditions:
Perlman syndrome (PRLMNS). Identifiers: Orphanet 2849, MedGen C0796113, MONDO:0009965, OMIM 267000.

Submission:

Labcorp Genetics (formerly Invitae), Labcorp
Classification: Uncertain significance for Perlman syndrome. Last evaluated: 2019-08-20. Review status: criteria provided, single submitter. Criteria: Invitae Variant Classification Sherloc (09022015). Collection method: clinical testing. Allele origin: germline.
Comment: In summary, the available evidence is currently insufficient to determine the role of this variant in disease. Therefore, it has been classified as a Variant of Uncertain Significance. Algorithms developed to predict the effect of missense changes on protein structure and function are either unavailable or do not agree on the potential impact of this missense change (SIFT: "Deleterious"; PolyPhen-2: "Probably Damaging"; Align-GVGD: "Class C0"). This variant has not been reported in the literature in individuals with DIS3L2-related conditions. This variant is not present in population databases (ExAC no frequency). This sequence change replaces aspartic acid with glycine at codon 272 of the DIS3L2 protein (p.Asp272Gly). The aspartic acid residue is highly conserved and there is a moderate physicochemical difference between aspartic acid and glycine.